The following is an entry in ClinVar:

NM_032242.4(PLXNA1):c.534G>A (p.Pro178=)

Gene: PLXNA1 (plexin A1; plus strand). Cytogenetic location: 3q21.3.
Variant type: single nucleotide variant.
Coding change: c.534G>A on transcript NM_032242.4 (MANE Select); coding-DNA position 534, G replaced by A.
Protein change: p.Pro178=; no amino-acid change (proline 178 retained).
Molecular consequence: synonymous variant.
Genome position (GRCh38, 1-based): chr3:126,989,127, G>A. VCF-style: chr3-126989127-G-A. GRCh37 (hg19) VCF-style: chr3-126707970-G-A.
Identifiers: ClinVar variation 3032313 (VCV003032313.2), dbSNP rs765473425, ClinGen allele CA2592994.

ClinVar aggregate classification (germline): Likely benign (0 of 4 stars; one submission).

Conditions:
PLXNA1-related disorder. Also called: PLXNA1-related condition.

Allele frequency attached by ClinVar (database versions not stated): ExAC 0.00001; gnomAD exomes 0.00002; gnomAD 0.00003; TOPMed 0.00003.
gnomAD v4.1: 33 of 1,612,992 alleles (0.002%); highest among the groups gnomAD compares: Middle Eastern, 0.016%; no homozygotes.

Submission:

PreventionGenetics, part of Exact Sciences
Classification: Likely benign for PLXNA1-related condition. Last evaluated: 2023-10-12. Review status: no assertion criteria provided. Collection method: clinical testing. Allele origin: germline.
Comment: This variant is classified as likely benign based on ACMG/AMP sequence variant interpretation guidelines (Richards et al. 2015 PMID: 25741868, with internal and published modifications).